The following is an entry in ClinVar:

ClinVar aggregate classification (germline): Conflicting classifications of pathogenicity. Review status: criteria provided, conflicting classifications (1 of 4 stars). 3 submissions from 3 submitters: Uncertain significance (2); Likely benign (1). Last evaluated 2026-08-01.

Conditions:
Inborn genetic diseases. Identifiers: MedGen C0950123, MeSH D030342.
ANXA11-related disorder. Also called: ANXA11-related condition.

Allele frequency attached by ClinVar (database versions not stated): gnomAD exomes 0.00001; TOPMed 0.00001.
gnomAD v4.1: 20 of 1,556,668 alleles (0.0013%); highest among the groups gnomAD compares: Non-Finnish European, 0.0016%; no homozygotes.

Submissions (3):

CeGaT Center for Human Genetics Tuebingen
Classification: Likely benign. Last evaluated: 2026-08-01. Review status: criteria provided, single submitter. Criteria: CeGaT Center For Human Genetics Tuebingen Variant Classification Criteria Version 2. Collection method: clinical testing. Allele origin: germline. Affected: yes. Observed: 1 variant allele.
Comment: ANXA11: PM5:Supporting, BP4, BP5

Ambry Genetics
Classification: Uncertain significance for Inborn genetic diseases. Last evaluated: 2025-03-03. Review status: criteria provided, single submitter. Criteria: Ambry Variant Classification Scheme 2023. Collection method: clinical testing. Allele origin: germline.

PreventionGenetics, part of Exact Sciences
Classification: Uncertain significance for ANXA11-related condition. Last evaluated: 2023-08-04. Review status: criteria provided, single submitter. Criteria: ACMG Guidelines, 2015. Collection method: clinical testing. Allele origin: germline.
Comment: The ANXA11 c.1A>G variant is predicted to disrupt the translation initiation site (Start Loss). To our knowledge, this variant has not been reported in the literature. This variant is reported in 0.0021% of alleles in individuals of European (Non-Finnish) descent in gnomAD. At this time, the clinical significance of this variant is uncertain due to the absence of conclusive functional and genetic evidence.

NM_145868.2(ANXA11):c.100A>G (p.Met34Val)

Gene: ANXA11 (annexin A11; minus strand). Cytogenetic location: 10q22.3.
Variant type: single nucleotide variant.
Coding change: c.100A>G on transcript NM_145868.2 (MANE Select); coding-DNA position 100, A replaced by G.
Protein change: p.Met34Val; replaces methionine 34 with valine.
Molecular consequence: missense variant. On other transcripts: initiator codon variant (1).
Genome position (GRCh38, 1-based): chr10:80,170,871, T>C on the plus strand (A>G on the coding strand, the complement: ANXA11 is on the minus strand). VCF-style: chr10-80170871-T-C. GRCh37 (hg19) VCF-style: chr10-81930627-T-C.
Other names: c.100A>G, p.Met34Val (NM_001157.3, NM_001278407.2, NM_001278408.2 and 1 more transcripts); c.1A>G, p.Met1Val (NM_001278409.2); c.100A>G (NM_001157.2); short protein forms M1V, M34V.
Identifiers: ClinVar variation 2629026 (VCV002629026.3), dbSNP rs762135310, ClinGen allele CA5576390.
Genomic context (GRCh38, chr10:80,170,871, plus strand): 5'-GATAGTCCTGGTTGAACTGCCCCGCATAGGTGGCCACGTTATCCAGCCCGATGGGGGGCA[T>C]GCTGGGCGGAGGAGGGTAGGCAGCACCTCCCCAGGGACCACCACCTGAAAGCAACACCAA-3'
Protein context (NP_665875.1, residues 24-44): GGAAYPPPPS[Met34Val]PPIGLDNVAT